The following is an entry in ClinVar:

NM_022464.5(SIL1):c.354-3C>A

Gene: SIL1 (SIL1 nucleotide exchange factor; minus strand). Cytogenetic location: 5q31.2.
Variant type: single nucleotide variant.
Coding change: c.354-3C>A on transcript NM_022464.5 (MANE Select); 3 bases into the intron before coding-DNA position 354, C replaced by A.
Molecular consequence: intron variant.
Genome position (GRCh38, 1-based): chr5:139,042,722, G>T on the plus strand (C>A on the coding strand, the complement: SIL1 is on the minus strand). VCF-style: chr5-139042722-G-T. GRCh37 (hg19) VCF-style: chr5-138378411-G-T.
Other names: c.354-3C>A (NM_001037633.2).
Identifiers: ClinVar variation 2148009 (VCV002148009.4), dbSNP rs777778758, ClinGen allele CA2580072902.
Genomic context (GRCh38, chr5:139,042,722, plus strand): 5'-TTTTGCCAGTGCACTCTTGAGATCCTGAGATGTGTAGGTGTTGGTGTTGATATCCAGCCT[G>T]TCCAAAGAAAACTGAGAGTAAAGAGGGAGGCATGGCTAGGCTTGGTGGCTCACAGTTGTA-3'

ClinVar aggregate classification (germline): Uncertain significance (1 of 4 stars; one submission).

Conditions:
Marinesco-Sjögren syndrome (MSS). Also called: Marinesco-Sjogren Syndrome; Marinesco-SjÃ¶gren syndrome. Identifiers: Orphanet 559, MedGen C0024814, MONDO:0009567, OMIM 248800.

gnomAD v4.1: 1 of 1,613,880 alleles (0.000062%); highest among the groups gnomAD compares: African/African-American, 0.0013%; no homozygotes.

Submission:

Labcorp Genetics (formerly Invitae), Labcorp
Classification: Uncertain significance for Marinesco-Sjögren syndrome. Last evaluated: 2022-08-06. Review status: criteria provided, single submitter. Criteria: Invitae Variant Classification Sherloc (09022015). Collection method: clinical testing. Allele origin: germline.
Comment: This sequence change falls in intron 4 of the SIL1 gene. It does not directly change the encoded amino acid sequence of the SIL1 protein. It affects a nucleotide within the consensus splice site. This variant is not present in population databases (gnomAD no frequency). This variant has not been reported in the literature in individuals affected with SIL1-related conditions. Variants that disrupt the consensus splice site are a relatively common cause of aberrant splicing (PMID: 17576681, 9536098). Algorithms developed to predict the effect of sequence changes on RNA splicing suggest that this variant may disrupt the consensus splice site. In summary, the available evidence is currently insufficient to determine the role of this variant in disease. Therefore, it has been classified as a Variant of Uncertain Significance.

Literature cited by the submitters: PubMed 17576681; PubMed 9536098.